The following is an entry in ClinVar:

ClinVar aggregate classification (germline): Uncertain significance. Review status: criteria provided, multiple submitters, no conflicts (2 of 4 stars). 3 submissions from 3 submitters: Uncertain significance (3). Last evaluated 2023-07-11.

Conditions:
Familial meningioma. Also called: Meningioma, familial, susceptibility to. Identifiers: Orphanet 263662, MedGen C3551915, MONDO:0011789, OMIM 607174.
Hereditary cancer-predisposing syndrome. Also called: Tumor predisposition; Hereditary Cancer Syndrome; Hereditary neoplastic syndrome; Neoplastic Syndromes, Hereditary. Identifiers: Orphanet 140162, MedGen C0027672, MeSH D009386, MONDO:0015356.

Submissions (3):

Baylor Genetics
Classification: Uncertain significance for Familial meningioma. Last evaluated: 2023-07-11. Review status: criteria provided, single submitter. Criteria: ACMG Guidelines, 2015. Collection method: clinical testing. Allele origin: unknown.

Ambry Genetics
Classification: Uncertain significance for Hereditary cancer-predisposing syndrome. Last evaluated: 2022-04-19. Review status: criteria provided, single submitter. Criteria: Ambry Variant Classification Scheme 2023. Collection method: clinical testing. Allele origin: germline.
Comment: The p.I59F variant (also known as c.175A>T), located in coding exon 4 of the SMARCE1 gene, results from an A to T substitution at nucleotide position 175. The isoleucine at codon 59 is replaced by phenylalanine, an amino acid with highly similar properties. This amino acid position is well conserved in available vertebrate species. In addition, the in silico prediction for this alteration is inconclusive. Missense and in-frame variants in SMARCE1 are known to cause neurodevelopmental disorders; however, such associations with increased risk of meningiomas are exceedingly rare (Kosho T et al. Am J Med Genet C Semin Med Genet. 2014 Sep;166C(3):262-75; Smith JM et al. Nat Genet. 2013 Mar;45(3):295-8). Based on the supporting evidence, the association of this alteration with an increased risk of Coffin-Siris syndrome is unknown; however, the association of this alteration with meningiomas is unlikely.

Labcorp Genetics (formerly Invitae), Labcorp
Classification: Uncertain significance for Familial meningioma. Last evaluated: 2021-08-22. Review status: criteria provided, single submitter. Criteria: Invitae Variant Classification Sherloc (09022015). Collection method: clinical testing. Allele origin: germline.
Comment: Algorithms developed to predict the effect of missense changes on protein structure and function are either unavailable or do not agree on the potential impact of this missense change (SIFT: "Deleterious"; PolyPhen-2: "Benign"; Align-GVGD: "Class C0"). In summary, the available evidence is currently insufficient to determine the role of this variant in disease. Therefore, it has been classified as a Variant of Uncertain Significance. This variant has not been reported in the literature in individuals affected with SMARCE1-related conditions. This variant is not present in population databases (ExAC no frequency). This sequence change replaces isoleucine with phenylalanine at codon 59 of the SMARCE1 protein (p.Ile59Phe). The isoleucine residue is moderately conserved and there is a small physicochemical difference between isoleucine and phenylalanine.

NM_003079.5(SMARCE1):c.175A>T (p.Ile59Phe)

Gene: SMARCE1 (SWI/SNF related BAF chromatin remodeling complex subunit E1; minus strand). Cytogenetic location: 17q21.2.
Variant type: single nucleotide variant.
Coding change: c.175A>T on transcript NM_003079.5 (MANE Select); coding-DNA position 175, A replaced by T.
Protein change: p.Ile59Phe; replaces isoleucine 59 with phenylalanine.
Molecular consequence: missense variant.
Genome position (GRCh38, 1-based): chr17:40,637,554, T>A on the plus strand (A>T on the coding strand, the complement: SMARCE1 is on the minus strand). VCF-style: chr17-40637554-T-A. GRCh37 (hg19) VCF-style: chr17-38793806-T-A.
Other names: short protein forms I59F.
Identifiers: ClinVar variation 1480048 (VCV001480048.9), dbSNP rs2143999589, ClinGen allele CA399367957.